The following is an entry in ClinVar:

ClinVar aggregate classification (germline): Uncertain significance. Review status: criteria provided, multiple submitters, no conflicts (2 of 4 stars). 2 submissions from 2 submitters: Uncertain significance (2). Last evaluated 2025-12-11.

Conditions:
Dyskeratosis congenita. Identifiers: Orphanet 1775, MedGen C0265965, MONDO:0015780.
Inborn genetic diseases. Identifiers: MedGen C0950123, MeSH D030342.

gnomAD v4.1: 4 of 1,613,512 alleles (0.00025%); highest among the groups gnomAD compares: Non-Finnish European, 0.00034%; no homozygotes.

Submissions (2):

Labcorp Genetics (formerly Invitae), Labcorp
Classification: Uncertain significance for Dyskeratosis congenita. Last evaluated: 2025-12-11. Review status: criteria provided, single submitter. Criteria: Invitae Variant Classification Sherloc (09022015). Collection method: clinical testing. Allele origin: germline.
Comment: This sequence change replaces serine, which is neutral and polar, with arginine, which is basic and polar, at codon 164 of the CTC1 protein (p.Ser164Arg). This variant is not present in population databases (gnomAD no frequency). This variant has not been reported in the literature in individuals affected with CTC1-related conditions. ClinVar contains an entry for this variant (Variation ID: 4007863). Invitae Evidence Modeling of protein sequence and biophysical properties (such as structural, functional, and spatial information, amino acid conservation, physicochemical variation, residue mobility, and thermodynamic stability) indicates that this missense variant is expected to disrupt CTC1 protein function with a positive predictive value of 80%. In summary, the available evidence is currently insufficient to determine the role of this variant in disease. Therefore, it has been classified as a Variant of Uncertain Significance.

Ambry Genetics
Classification: Uncertain significance for Inborn genetic diseases. Last evaluated: 2025-05-04. Review status: criteria provided, single submitter. Criteria: Ambry Variant Classification Scheme 2023. Collection method: clinical testing. Allele origin: germline.

NM_025099.6(CTC1):c.492T>A (p.Ser164Arg)

Gene: CTC1 (CST telomere replication complex component 1; minus strand). Cytogenetic location: 17p13.1.
Variant type: single nucleotide variant.
Coding change: c.492T>A on transcript NM_025099.6 (MANE Select); coding-DNA position 492, T replaced by A.
Protein change: p.Ser164Arg; replaces serine 164 with arginine.
Molecular consequence: missense variant. On other transcripts: non-coding transcript variant (1).
Genome position (GRCh38, 1-based): chr17:8,238,186, A>T on the plus strand (T>A on the coding strand, the complement: CTC1 is on the minus strand). VCF-style: chr17-8238186-A-T. GRCh37 (hg19) VCF-style: chr17-8141504-A-T.
Other names: c.492T>A, p.Ser164Arg (NM_001411067.1); short protein forms S164R.
Identifiers: ClinVar variation 4007863 (VCV004007863.2).